The following is an entry in ClinVar:

NM_000094.4(COL7A1):c.6978G>A (p.Pro2326=)

Gene: COL7A1 (collagen type VII alpha 1 chain; minus strand). Cytogenetic location: 3p21.31.
Variant type: single nucleotide variant.
Coding change: c.6978G>A on transcript NM_000094.4 (MANE Select); coding-DNA position 6978, G replaced by A.
Protein change: p.Pro2326=; no amino-acid change (proline 2326 retained).
Molecular consequence: synonymous variant.
Genome position (GRCh38, 1-based): chr3:48,572,380, C>T on the plus strand (G>A on the coding strand, the complement: COL7A1 is on the minus strand). VCF-style: chr3-48572380-C-T. GRCh37 (hg19) VCF-style: chr3-48609813-C-T.
Identifiers: ClinVar variation 2141058 (VCV002141058.4), dbSNP rs773013817, ClinGen allele CA2378756.

ClinVar aggregate classification (germline): Uncertain significance. Review status: criteria provided, multiple submitters, no conflicts (2 of 4 stars). 2 submissions from 2 submitters: Uncertain significance (2). Last evaluated 2026-06-26.

Allele frequency attached by ClinVar (database versions not stated): ExAC 0.00002; gnomAD 0.00003; TOPMed 0.00003.
gnomAD v4.1: 36 of 1,614,008 alleles (0.0022%); highest among the groups gnomAD compares: Middle Eastern, 0.016%; no homozygotes.

Submissions (2):

Women's Health and Genetics/Laboratory Corporation of America, LabCorp
Classification: Uncertain significance. Last evaluated: 2026-06-26. Review status: criteria provided, single submitter. Criteria: LabCorp Variant Classification Summary - May 2015. Collection method: clinical testing. Allele origin: germline.

Labcorp Genetics (formerly Invitae), Labcorp
Classification: Uncertain significance. Last evaluated: 2025-10-23. Review status: criteria provided, single submitter. Criteria: Invitae Variant Classification Sherloc (09022015). Collection method: clinical testing. Allele origin: germline.
Comment: This sequence change affects codon 2326 of the COL7A1 mRNA. It is a 'silent' change, meaning that it does not change the encoded amino acid sequence of the COL7A1 protein. This variant also falls at the last nucleotide of exon 89, which is part of the consensus splice site for this exon. This variant is present in population databases (rs773013817, gnomAD 0.007%). This variant has not been reported in the literature in individuals affected with COL7A1-related conditions. ClinVar contains an entry for this variant (Variation ID: 2141058). Variants that disrupt the consensus splice site are a relatively common cause of aberrant splicing (PMID: 17576681, 9536098). Algorithms developed to predict the effect of sequence changes on RNA splicing suggest that this variant may disrupt the consensus splice site. In summary, the available evidence is currently insufficient to determine the role of this variant in disease. Therefore, it has been classified as a Variant of Uncertain Significance.

Literature cited by the submitters: PubMed 17576681 (cited by Labcorp Genetics (formerly Invitae), Labcorp); PubMed 9536098 (cited by Labcorp Genetics (formerly Invitae), Labcorp).